The following is an entry in ClinVar:

NM_001903.5(CTNNA1):c.345del (p.Cys116fs)

Gene: CTNNA1 (catenin alpha 1; plus strand). Cytogenetic location: 5q31.2.
Variant type: Deletion.
Coding change: c.345del on transcript NM_001903.5 (MANE Select); coding-DNA position 345, one base deleted (C; older notation c.345delC).
Protein change: p.Cys116fs; shifts the reading frame from cysteine 116.
Molecular consequence: frameshift variant. On other transcripts: intron variant (1).
Genome position (GRCh38, 1-based): chr5:138,810,081, C deleted; the last of 3 consecutive C bases (chr5:138,810,079-138,810,081); deleting any one gives the same sequence. VCF-style (leftmost placement, unchanged base first): chr5-138810078-TC-T. GRCh37 (hg19) VCF-style: chr5-138145767-TC-T.
Other names: c.345del, p.Cys116fs (NM_001290307.3, NM_001323982.2, NM_001323983.1 and 3 more transcripts); c.36del, p.Cys13fs (NM_001290309.3); c.-5-20del (NM_001290310.3); short protein forms C13fs, C116fs.
Identifiers: ClinVar variation 2057267 (VCV002057267.4), dbSNP rs2532329792, ClinGen allele CA2580072836.

ClinVar aggregate classification (germline): Pathogenic (1 of 4 stars; one submission).

Submission:

Labcorp Genetics (formerly Invitae), Labcorp
Classification: Pathogenic. Last evaluated: 2023-10-18. Review status: criteria provided, single submitter. Criteria: Invitae Variant Classification Sherloc (09022015). Collection method: clinical testing. Allele origin: germline.
Comment: This sequence change creates a premature translational stop signal (p.Cys116Alafs*4) in the CTNNA1 gene. It is expected to result in an absent or disrupted protein product. Loss-of-function variants in CTNNA1 are known to be pathogenic (PMID: 32051609, 34425242). This variant is not present in population databases (gnomAD no frequency). This variant has not been reported in the literature in individuals affected with CTNNA1-related conditions. ClinVar contains an entry for this variant (Variation ID: 2057267). For these reasons, this variant has been classified as Pathogenic.

Literature cited by the submitters: PubMed 32051609; PubMed 34425242.